The following is an entry in ClinVar:

NM_000944.5(PPP3CA):c.1410C>G (p.Phe470Leu)

Gene: PPP3CA (protein phosphatase 3 catalytic subunit alpha; minus strand). Cytogenetic location: 4q24.
Variant type: single nucleotide variant.
Coding change: c.1410C>G on transcript NM_000944.5 (MANE Select); coding-DNA position 1410, C replaced by G.
Protein change: p.Phe470Leu; replaces phenylalanine 470 with leucine.
Molecular consequence: missense variant.
Genome position (GRCh38, 1-based): chr4:101,026,021, G>C on the plus strand (C>G on the coding strand, the complement: PPP3CA is on the minus strand). VCF-style: chr4-101026021-G-C. GRCh37 (hg19) VCF-style: chr4-101947178-G-C.
Other names: c.1380C>G, p.Phe460Leu (NM_001130691.2); c.1254C>G, p.Phe418Leu (NM_001130692.2); short protein forms F418L, F470L, F460L.
Identifiers: ClinVar variation 2265570 (VCV002265570.3), dbSNP rs1726631581, ClinGen allele CA357947759.

ClinVar aggregate classification (germline): Uncertain significance. Review status: criteria provided, multiple submitters, no conflicts (2 of 4 stars). 2 submissions from 2 submitters: Uncertain significance (2). Last evaluated 2023-06-26.

Conditions:
Inborn genetic diseases. Identifiers: MedGen C0950123, MeSH D030342.

Submissions (2):

GeneDx
Classification: Uncertain significance. Last evaluated: 2023-06-26. Review status: criteria provided, single submitter. Criteria: GeneDx Variant Classification Process June 2021. Collection method: clinical testing. Allele origin: germline. Affected: yes.
Comment: Not observed at significant frequency in large population cohorts (gnomAD); In silico analysis supports that this missense variant has a deleterious effect on protein structure/function; Has not been previously published as pathogenic or benign to our knowledge

Ambry Genetics
Classification: Uncertain significance for Inborn genetic diseases. Last evaluated: 2022-01-16. Review status: criteria provided, single submitter. Criteria: Ambry Variant Classification Scheme 2023. Collection method: clinical testing. Allele origin: germline.